The following is an entry in ClinVar:

NM_005097.4(LGI1):c.1274A>C (p.Asp425Ala)

Gene: LGI1 (leucine rich glioma inactivated 1; plus strand). Cytogenetic location: 10q23.33.
Variant type: single nucleotide variant.
Coding change: c.1274A>C on transcript NM_005097.4 (MANE Select); coding-DNA position 1274, A replaced by C.
Protein change: p.Asp425Ala; replaces aspartic acid 425 with alanine.
Molecular consequence: missense variant. On other transcripts: non-coding transcript variant (1), intron variant (1).
Genome position (GRCh38, 1-based): chr10:93,797,403, A>C. VCF-style: chr10-93797403-A-C. GRCh37 (hg19) VCF-style: chr10-95557160-A-C.
Other names: p.D425A:GAC>GCC; c.1130A>C, p.Asp377Ala (NM_001308276.2); c.839-346A>C (NM_001308275.2); short protein forms D425A, D377A.
Identifiers: ClinVar variation 206030 (VCV000206030.2), dbSNP rs796052696, ClinGen allele CA315721.
Genomic context (GRCh38, chr10:93,797,403, plus strand): 5'-CCCAGCGTCCTGTAATTTATCAGTGGAACAAAGCAACACAATTATTCACTAACCAAACTG[A>C]CATTCCTAACATGGAGGATGTGTACGCAGTGAAGCACTTCTCAGTGAAAGGGGACGTGTA-3'
Protein context (NP_005088.1, residues 415-435): KATQLFTNQT[Asp425Ala]IPNMEDVYAV

ClinVar aggregate classification (germline): Uncertain significance (1 of 4 stars; one submission).

Allele frequency attached by ClinVar (database versions not stated): gnomAD exomes below 0.00001.

Submission:

GeneDx
Classification: Uncertain significance. Last evaluated: 2014-01-24. Review status: criteria provided, single submitter. Criteria: GeneDx Variant Classification (06012015). Collection method: clinical testing. Allele origin: germline. Affected: yes.
Comment: p.Asp425Ala (GAC>GCC): c.1274 A>C in exon 8 of the LGI1 gene (NM_005097.2). The D425A missense change has not been published as a mutation, nor has it been reported as a benign polymorphism to our knowledge. It was not observed in approximately 6,500 individuals of European and African American ancestry in the NHLBI Exome Sequencing Project, indicating it is not a common benign variant in these populations. This variant is a non-conservative amino acid substitution of a negatively charged, polar Aspartic acid residue with an uncharged, non-polar Alanine residue at a position that is conserved across species in an EAR domain of the LGI1 protein. In silico analysis predicts this variant is probably damaging to the protein structure/function. The identification of D425A suggests that D425A may be a benign variant not associated with the phenotype; however, the possibility that it is a disease-associated mutation cannot be excluded since some individuals with LGI1 mutations never develop seizures due to incomplete penetrance. Therefore, the identification of D425A does not clarify the clinical significance of the variant. The variant is found in EPILEPSY panel(s).